The following is an entry in ClinVar:

ClinVar aggregate classification (germline): Likely benign. Review status: criteria provided, multiple submitters, no conflicts (2 of 4 stars). 3 submissions from 3 submitters: Likely benign (2). 1 of the submissions does not count toward it. Last evaluated 2025-06-03.

Conditions:
MAP3K1-related disorder. Also called: MAP3K1-related condition.
46,XY sex reversal 6. Also called: 46,XY GONADAL DYSGENESIS, PARTIAL OR COMPLETE, MAP3K1-RELATED; 46,XY SEX REVERSAL, PARTIAL OR COMPLETE, MAP3K1-RELATED. Identifiers: MedGen C3151064, MONDO:0013410, OMIM 613762.

Allele frequency attached by ClinVar (database versions not stated): ExAC 0.00025; gnomAD exomes 0.00027 and 0.00064; 1000 Genomes Project 30x 0.00031; TOPMed 0.00031; gnomAD 0.00034 and 0.00035; ESP Exome Variant Server 0.00041.
gnomAD v4.1: 970 of 1,614,052 alleles (0.06%); highest among the groups gnomAD compares: Non-Finnish European, 0.079%; no homozygotes.

Submissions (3):

Labcorp Genetics (formerly Invitae), Labcorp
Classification: Likely benign for 46,XY sex reversal 6. Last evaluated: 2025-06-03. Review status: criteria provided, single submitter. Criteria: Invitae Variant Classification Sherloc (09022015). Collection method: clinical testing. Allele origin: germline.

CeGaT Center for Human Genetics Tuebingen
Classification: Likely benign. Last evaluated: 2022-09-01. Review status: criteria provided, single submitter. Criteria: CeGaT Center For Human Genetics Tuebingen Variant Classification Criteria Version 2. Collection method: clinical testing. Allele origin: germline. Affected: yes. Observed: 1 variant allele.
Comment: MAP3K1: BP4, BP7

PreventionGenetics, part of Exact Sciences
Classification: Likely benign for MAP3K1-related condition. Last evaluated: 2019-07-16. Review status: no assertion criteria provided. Collection method: clinical testing. Allele origin: germline. Not counted in ClinVar's aggregate classification.
Comment: This variant is classified as likely benign based on ACMG/AMP sequence variant interpretation guidelines (Richards et al. 2015 PMID: 25741868, with internal and published modifications).

NM_005921.2(MAP3K1):c.2598C>T (p.Ala866=)

Gene: MAP3K1 (mitogen-activated protein kinase kinase kinase 1; plus strand). Cytogenetic location: 5q11.2.
Variant type: single nucleotide variant.
Coding change: c.2598C>T on transcript NM_005921.2 (MANE Select); coding-DNA position 2598, C replaced by T.
Protein change: p.Ala866=; no amino-acid change (alanine 866 retained).
Molecular consequence: synonymous variant.
Genome position (GRCh38, 1-based): chr5:56,881,798, C>T. VCF-style: chr5-56881798-C-T. GRCh37 (hg19) VCF-style: chr5-56177625-C-T.
Identifiers: ClinVar variation 779569 (VCV000779569.31), dbSNP rs201679580, ClinGen allele CA3273027.
Genomic context (GRCh38, chr5:56,881,798, plus strand): 5'-CACTCACTTCACCAGGATGCGTCGCCGTTTGATGGCTATTGCAGATGAGGTGGAAATTGC[C>T]GAAGCCATCCAGTTGGGCGTAGAAGACACTTTGGATGGTCAACAGGACAGCTTCTTGCAG-3'
Protein context (NP_005912.1, residues 856-876): LMAIADEVEI[Ala866=]EAIQLGVEDT